The following is an entry in ClinVar:

NM_001848.3(COL6A1):c.2554_2577del (p.Ala852_Phe859del)

Gene: COL6A1 (collagen type VI alpha 1 chain; plus strand). Cytogenetic location: 21q22.3.
Variant type: Deletion.
Coding change: c.2554_2577del on transcript NM_001848.3 (MANE Select); coding-DNA positions 2554 to 2577, 24 bases deleted (GCCAAGCGCCTGGCCGAGCGCTTC).
Protein change: p.Ala852_Phe859del.
Genome position (GRCh38, 1-based): chr21:46,003,480-46,003,503, GCCAAGCGCCTGGCCGAGCGCTTC deleted; deleting any 24 consecutive bases within chr21:46,003,472-46,003,503 gives the same sequence; the c. name uses the placement nearest the transcript's 3' end. VCF-style (leftmost placement, unchanged base first): chr21-46003471-AAGCGCTTCGCCAAGCGCCTGGCCG-A. GRCh37 (hg19) VCF-style: chr21-47423385-AAGCGCTTCGCCAAGCGCCTGGCCG-A.
Identifiers: ClinVar variation 4810314 (VCV004810314.1).

ClinVar aggregate classification (germline): Uncertain significance (1 of 4 stars; one submission).

Conditions:
Bethlem myopathy 1A. Also called: MYOPATHY, BENIGN CONGENITAL, WITH CONTRACTURES; Bethlem myopathy 1; Bethlem Muscular Dystrophy. Identifiers: Orphanet 610, MedGen CN029274, MONDO:0024530, OMIM 158810.

Submission:

Labcorp Genetics (formerly Invitae), Labcorp
Classification: Uncertain significance for Bethlem myopathy 1A. Last evaluated: 2025-11-09. Review status: criteria provided, single submitter. Criteria: Invitae Variant Classification Sherloc (09022015). Collection method: clinical testing. Allele origin: germline.
Comment: This variant, c.2554_2577del, results in the deletion of 8 amino acid(s) of the COL6A1 protein (p.Ala852_Phe859del), but otherwise preserves the integrity of the reading frame. This variant is not present in population databases (gnomAD no frequency). This variant has not been reported in the literature in individuals affected with COL6A1-related conditions. Experimental studies and prediction algorithms are not available or were not evaluated, and the functional significance of this variant is currently unknown. In summary, the available evidence is currently insufficient to determine the role of this variant in disease. Therefore, it has been classified as a Variant of Uncertain Significance.